The following is an entry in ClinVar:

ClinVar aggregate classification (germline): Uncertain significance (1 of 4 stars; one submission).

Submission:

GeneDx
Classification: Uncertain significance. Last evaluated: 2019-04-05. Review status: criteria provided, single submitter. Criteria: GeneDx Variant Classification Process June 2021. Collection method: clinical testing. Allele origin: germline. Affected: yes.
Comment: Not observed in large population cohorts (Lek et al., 2016); In silico analysis, which includes protein predictors and evolutionary conservation, supports a deleterious effect; Identified in a patient with autism spectrum disorder in published literature (Iossifov et al., 2014); This variant is associated with the following publications: (PMID: 25363768, 28191890, 28714951)

NM_000719.7(CACNA1C):c.3484G>C (p.Val1162Leu)

Gene: CACNA1C (calcium voltage-gated channel subunit alpha1 C; plus strand). Cytogenetic location: 12p13.33.
Variant type: single nucleotide variant.
Coding change: c.3484G>C on transcript NM_000719.7 (MANE Select); coding-DNA position 3484, G replaced by C.
Protein change: p.Val1162Leu; replaces valine 1162 with leucine.
Molecular consequence: missense variant.
Genome position (GRCh38, 1-based): chr12:2,608,638, G>C. VCF-style: chr12-2608638-G-C. GRCh37 (hg19) VCF-style: chr12-2717804-G-C.
Other names: c.3544G>C, p.Val1182Leu (NM_001129827.2, NM_001129832.2, NM_199460.4); c.3484G>C, p.Val1162Leu (NM_001129829.2, NM_001129830.3, NM_001129831.2 and 15 more transcripts); c.3475G>C, p.Val1159Leu (NM_001129844.2); short protein forms V1159L, V1162L, V1182L.
Identifiers: ClinVar variation 1304528 (VCV001304528.2), dbSNP rs2076324884, ClinGen allele CA383375519.